The following is an entry in ClinVar:

NM_014845.6(FIG4):c.2027A>G (p.Glu676Gly)

Gene: FIG4 (FIG4 phosphoinositide 5-phosphatase; plus strand). Cytogenetic location: 6q21.
Variant type: single nucleotide variant.
Coding change: c.2027A>G on transcript NM_014845.6 (MANE Select); coding-DNA position 2027, A replaced by G.
Protein change: p.Glu676Gly; replaces glutamic acid 676 with glycine.
Molecular consequence: missense variant.
Genome position (GRCh38, 1-based): chr6:109,786,380, A>G. VCF-style: chr6-109786380-A-G. GRCh37 (hg19) VCF-style: chr6-110107583-A-G.
Other names: short protein forms E676G.
Identifiers: ClinVar variation 3239635 (VCV003239635.1), dbSNP rs1777957058.
Genomic context (GRCh38, chr6:109,786,380, plus strand): 5'-TAAAGAAGTTGATAGTGAAGAAATTCCACAAATATGAAGAAGAGATTGATATCCACAATG[A>G]GTTCTTTCGGCCATATGAGTTGAGCAGCTTTGATGATACCTTTTGCTTGGCTATGACAAG-3'
Protein context (NP_055660.1, residues 666-686): KYEEEIDIHN[Glu676Gly]FFRPYELSSF

ClinVar aggregate classification (germline): Uncertain significance (0 of 4 stars; one submission).

Conditions:
Yunis-Varon syndrome (YVS). Also called: Cleidocranial dysplasia, micrognathia, absent thumbs, & distal aphalangia. Identifiers: Orphanet 3472, MedGen C1857663, MONDO:0008995, OMIM 216340.

gnomAD v4.1: 1 of 1,613,784 alleles (0.000062%); no homozygotes.

Submission:

Royal Medical Services, Bahrain Defence Force Hospital
Classification: Uncertain significance for Yunis-Varon syndrome. Review status: no assertion criteria provided. Collection method: clinical testing. Allele origin: inherited. Inheritance: Autosomal recessive inheritance. Affected: yes. Observed: 1 homozygote.
Comment: A homozygous missense variant in the exon 18 of the FIG4 gene (c.2027A>G; p.Glu676Gly) that replaces the amino acid Glutamic acid with Glycine at codon 676 was detected. This variant has not been previously described in the literature, in population databases or in our internal database. According to the recommendations of the ACMG, this variant is classified as ‘variant of uncertain significance.

Literature cited by the submitters: PubMed 23623387.